The following is an entry in ClinVar:

NM_153717.3(EVC):c.1720C>T (p.Arg574Cys)

Gene: EVC (EvC ciliary complex subunit 1; plus strand). Cytogenetic location: 4p16.2.
Variant type: single nucleotide variant.
Coding change: c.1720C>T on transcript NM_153717.3 (MANE Select); coding-DNA position 1720, C replaced by T.
Protein change: p.Arg574Cys; replaces arginine 574 with cysteine.
Molecular consequence: missense variant.
Genome position (GRCh38, 1-based): chr4:5,783,708, C>T. VCF-style: chr4-5783708-C-T. GRCh37 (hg19) VCF-style: chr4-5785435-C-T.
Other names: c.1720C>T, p.Arg574Cys (NM_001306090.2); short protein forms R574C.
Identifiers: ClinVar variation 2430951 (VCV002430951.1), dbSNP rs141820870, ClinGen allele CA2836234.

ClinVar aggregate classification (germline): Uncertain significance (1 of 4 stars; one submission).

Allele frequency attached by ClinVar (database versions not stated): ESP Exome Variant Server 0.00008.
gnomAD v4.1: 38 of 1,613,864 alleles (0.0024%); highest among the groups gnomAD compares: Non-Finnish European, 0.0031%; no homozygotes.

Submission:

GeneDx
Classification: Uncertain significance. Last evaluated: 2022-08-26. Review status: criteria provided, single submitter. Criteria: GeneDx Variant Classification Process June 2021. Collection method: clinical testing. Allele origin: germline. Affected: yes.
Comment: Not observed at significant frequency in large population cohorts (gnomAD); In silico analysis supports that this missense variant has a deleterious effect on protein structure/function; Has not been previously published as pathogenic or benign to our knowledge